The following is an entry in ClinVar:

NM_001379110.1(SLC9A6):c.1768-6A>G

Gene: SLC9A6 (solute carrier family 9 member A6; plus strand). Cytogenetic location: Xq26.3.
Variant type: single nucleotide variant.
Coding change: c.1768-6A>G on transcript NM_001379110.1 (MANE Select); 6 bases into the intron before coding-DNA position 1768, A replaced by G.
Molecular consequence: intron variant.
Genome position (GRCh38, 1-based): chrX:136,044,446, A>G. VCF-style: chrX-136044446-A-G. GRCh37 (hg19) VCF-style: chrX-135126605-A-G.
Other names: c.1834-6A>G (NM_001042537.2); c.1738-6A>G (NM_006359.3); c.1678-6A>G (NM_001177651.2); c.1582-6A>G (NM_001330652.2).
Identifiers: ClinVar variation 436774 (VCV000436774.13), dbSNP rs1556623179, ClinGen allele CA644626142.

ClinVar aggregate classification (germline): Likely benign. Review status: reviewed by expert panel (3 of 4 stars). 3 submissions from 3 submitters: Likely benign (1). 2 of the submissions do not count toward it. Last evaluated 2023-10-13.

Conditions:
Christianson syndrome (MRXSCH). Also called: INTELLECTUAL DEVELOPMENTAL DISORDER, X-LINKED, SYNDROMIC, CHRISTIANSON TYPE; SLC9A6-Related Syndromic Mental Retardation; X-linked mental retardation, syndromic, Christianson type. Identifiers: Orphanet 85278, MedGen C2678194, MONDO:0010278, OMIM 300243.

Allele frequency attached by ClinVar (database versions not stated): gnomAD exomes below 0.00001 and 0.00001; TOPMed below 0.00001.
gnomAD v4.1: 5 of 1,202,213 alleles (0.00042%); highest among the groups gnomAD compares: South Asian, 0.0053%; no homozygotes.

Submissions (3):

ClinGen Rett and Angelman-like Disorders Variant Curation Expert Panel
Classification: Likely benign for Christianson syndrome. Last evaluated: 2023-10-13. Review status: reviewed by expert panel. Criteria: ClinGen RettAS ACMG Specifications SLC9A6 V3.0.0. Collection method: curation. Allele origin: germline. Inheritance: X-linked inheritance.
Comment: The allele frequency of the c.1738-6A>G variant in SLC9A6 (NM_006359.2) is 0.02% in the Other sub population in gnomAD, which is high enough to meet the BS1 criteria based on thresholds defined by the ClinGen Rett/Angelman-like Expert Panel for Rett/AS-like conditions (BS1). Splice prediction analysis, using multiple computational tools does not suggest an impact to splicing (BP4). In summary, the c.1738-6A>G variant in SLC9A6 is classified as Likely Benign based on the ACMG/AMP criteria (BS1, BP4).

Labcorp Genetics (formerly Invitae), Labcorp
Classification: Likely benign for Christianson syndrome. Last evaluated: 2026-01-12. Review status: criteria provided, single submitter. Criteria: Invitae Variant Classification Sherloc (09022015). Collection method: clinical testing. Allele origin: germline. Not counted in ClinVar's aggregate classification.

Genetic Services Laboratory, University of Chicago
Classification: Uncertain significance. Last evaluated: 2015-09-04. Review status: criteria provided, single submitter. Criteria: ACMG Guidelines, 2015. Collection method: clinical testing. Allele origin: germline. Affected: no. Not counted in ClinVar's aggregate classification.